The following is an entry in ClinVar:

ClinVar aggregate classification (germline): Likely pathogenic (1 of 4 stars; one submission).

Conditions:
PURA-related severe neonatal hypotonia-seizures-encephalopathy syndrome (NEDRIHF). Also called: PURA-Related Neurodevelopmental Disorders; NEURODEVELOPMENTAL DISORDER WITH NEONATAL RESPIRATORY INSUFFICIENCY, HYPOTONIA, AND FEEDING DIFFICULTIES. Identifiers: Orphanet 438213, Orphanet 438216, MedGen C4015357, MONDO:1060108, OMIM 616158, MONDO:0018580.

Submission:

Breakthrough Genomics
Classification: Likely pathogenic for PURA-related severe neonatal hypotonia-seizures-encephalopathy syndrome. Last evaluated: 2022-04-21. Review status: criteria provided, single submitter. Criteria: ACMG Guidelines, 2015. Collection method: clinical testing. Allele origin: germline. Affected: yes.
Comment: This variant is predicted to be damaging by in-silico missense prediction tools (SIFT and Polyphen2). The variant seems to be novel, as it has not been previously reported in population or public databases or in the literature. Based on ACMG guidelines [PS2 (do novo), PMS (absent from controls/low frequency in population), PP3 (multiple lines of computational evidences)], this variant was classified as 'likely pathogenic'.

NM_005859.5(PURA):c.791G>C (p.Trp264Ser)

Gene: PURA (purine rich element binding protein A; plus strand). Cytogenetic location: 5q31.3.
Variant type: single nucleotide variant.
Coding change: c.791G>C on transcript NM_005859.5 (MANE Select); coding-DNA position 791, G replaced by C.
Protein change: p.Trp264Ser; replaces tryptophan 264 with serine.
Molecular consequence: missense variant.
Genome position (GRCh38, 1-based): chr5:140,114,972, G>C. VCF-style: chr5-140114972-G-C. GRCh37 (hg19) VCF-style: chr5-139494557-G-C.
Other names: p.Trp264Ser; short protein forms W264S.
Identifiers: ClinVar variation 3255587 (VCV003255587.2).
Genomic context (GRCh38, chr5:140,114,972, plus strand): 5'-TGCGAGTGAGCGAGGTGAAGCCCACCTATCGCAACTCCATCACCGTGCCCTACAAGGTGT[G>C]GGCCAAGTTCGGACACACCTTCTGCAAGTACTCGGAGGAGATGAAGAAGATTCAAGAGAA-3'
Protein context (NP_005850.1, residues 254-274): RNSITVPYKV[Trp264Ser]AKFGHTFCKY